The following is an entry in ClinVar:

NM_024589.3(ROGDI):c.577T>C (p.Tyr193His)

Gene: ROGDI (rogdi atypical leucine zipper; minus strand). Cytogenetic location: 16p13.3.
Variant type: single nucleotide variant.
Coding change: c.577T>C on transcript NM_024589.3 (MANE Select); coding-DNA position 577, T replaced by C.
Protein change: p.Tyr193His; replaces tyrosine 193 with histidine.
Molecular consequence: missense variant. On other transcripts: non-coding transcript variant (1).
Genome position (GRCh38, 1-based): chr16:4,798,139, A>G on the plus strand (T>C on the coding strand, the complement: ROGDI is on the minus strand). VCF-style: chr16-4798139-A-G. GRCh37 (hg19) VCF-style: chr16-4848140-A-G.
Other names: p.Tyr193His; short protein forms Y193H.
Identifiers: ClinVar variation 580904 (VCV000580904.8), dbSNP rs376765258, ClinGen allele CA7882628.

ClinVar aggregate classification (germline): Uncertain significance. Review status: criteria provided, multiple submitters, no conflicts (2 of 4 stars). 2 submissions from 2 submitters: Uncertain significance (2). Last evaluated 2025-06-06.

Conditions:
Amelocerebrohypohidrotic syndrome (KTZS). Also called: Kohlschutter's syndrome; EPILEPSY AND YELLOW TEETH; EPILEPSY, DEMENTIA, AND AMELOGENESIS IMPERFECTA; KOHLSCHUTTER SYNDROME. Identifiers: Orphanet 1946, MedGen C0406740, MONDO:0009185, OMIM 226750.

Allele frequency attached by ClinVar (database versions not stated): gnomAD 0.00016; ESP Exome Variant Server 0.00015; gnomAD exomes 0.00006; TOPMed 0.00025.
gnomAD v4.1: 70 of 1,613,904 alleles (0.0043%); highest among the groups gnomAD compares: African/African-American, 0.076%; no homozygotes.

Submissions (2):

Mayo Clinic Laboratories, Mayo Clinic
Classification: Uncertain significance. Last evaluated: 2025-06-06. Review status: criteria provided, single submitter. Criteria: ACMG Guidelines, 2015. Collection method: clinical testing. Allele origin: germline. Observed: 1 variant allele.
Comment: PM2_supporting

Labcorp Genetics (formerly Invitae), Labcorp
Classification: Uncertain significance for Amelocerebrohypohidrotic syndrome. Last evaluated: 2024-09-06. Review status: criteria provided, single submitter. Criteria: Invitae Variant Classification Sherloc (09022015). Collection method: clinical testing. Allele origin: germline.
Comment: This sequence change replaces tyrosine, which is neutral and polar, with histidine, which is basic and polar, at codon 193 of the ROGDI protein (p.Tyr193His). This variant is present in population databases (rs376765258, gnomAD 0.06%). This variant has not been reported in the literature in individuals affected with ROGDI-related conditions. ClinVar contains an entry for this variant (Variation ID: 580904). An algorithm developed to predict the effect of missense changes on protein structure and function (PolyPhen-2) suggests that this variant is likely to be disruptive. In summary, the available evidence is currently insufficient to determine the role of this variant in disease. Therefore, it has been classified as a Variant of Uncertain Significance.